The following is an entry in ClinVar:

NM_000260.4(MYO7A):c.4323+12G>A

Gene: MYO7A (myosin VIIA; plus strand). Cytogenetic location: 11q13.5.
Variant type: single nucleotide variant.
Coding change: c.4323+12G>A on transcript NM_000260.4 (MANE Select); 12 bases into the intron after coding-DNA position 4323, G replaced by A.
Molecular consequence: intron variant.
Genome position (GRCh38, 1-based): chr11:77,194,536, G>A. VCF-style: chr11-77194536-G-A. GRCh37 (hg19) VCF-style: chr11-76905581-G-A.
Other names: c.4290+12G>A (NM_001369365.1); c.4323+12G>A (NM_001127180.2).
Identifiers: ClinVar variation 164703 (VCV000164703.14), dbSNP rs115708951, ClinGen allele CA177391.

ClinVar aggregate classification (germline): Benign/Likely benign. Review status: criteria provided, multiple submitters, no conflicts (2 of 4 stars). 3 submissions from 3 submitters: Benign (1); Likely benign (2). Last evaluated 2026-01-30.

Allele frequency attached by ClinVar (database versions not stated): ExAC 0.00081; 1000 Genomes Project 30x 0.00187; ESP Exome Variant Server 0.00188; gnomAD 0.00194 and 0.00207; 1000 Genomes Project 0.00200; gnomAD exomes 0.00020 and 0.00049; TOPMed 0.00229.
gnomAD v4.1: 602 of 1,583,292 alleles (0.038%); highest among the groups gnomAD compares: African/African-American, 0.69%; 3 homozygotes.

Submissions (3):

Labcorp Genetics (formerly Invitae), Labcorp
Classification: Benign. Last evaluated: 2026-01-30. Review status: criteria provided, single submitter. Criteria: Invitae Variant Classification Sherloc (09022015). Collection method: clinical testing. Allele origin: germline.

Blueprint Genetics
Classification: Likely benign. Last evaluated: 2024-11-01. Review status: criteria provided, single submitter. Criteria: ACMG Guidelines, 2015. Collection method: clinical testing. Allele origin: germline.

Laboratory for Molecular Medicine, Mass General Brigham Personalized Medicine
Classification: Likely benign. Last evaluated: 2012-04-30. Review status: criteria provided, single submitter. Criteria: LMM Criteria. Collection method: clinical testing. Allele origin: germline. Observed: 3 variant alleles.
Comment: 4323+12G>A in Intron 32 of MYO7A: This variant is not expected to have clinical significance because it is not located within the conserved splice consensus seq uence and has been identified in 0.5% (16/3296) of African American chromosomes from a broad population by the NHLBI Exome Sequencing Project (dbSNP rs115708951).